The following is an entry in ClinVar:

ClinVar aggregate classification (germline): Benign/Likely benign. Review status: criteria provided, multiple submitters, no conflicts (2 of 4 stars). 2 submissions from 2 submitters: Benign (1); Likely benign (1). Last evaluated 2024-07-11.

Conditions:
Hereditary cancer-predisposing syndrome. Also called: Hereditary Cancer Syndrome; Hereditary neoplastic syndrome; Tumor predisposition; Neoplastic Syndromes, Hereditary. Identifiers: Orphanet 140162, MedGen C0027672, MeSH D009386, MONDO:0015356.
Oligodontia-cancer predisposition syndrome. Also called: TOOTH AGENESIS-COLORECTAL CANCER SYNDROME. Identifiers: Orphanet 300576, MedGen C1837750, MONDO:0012075, OMIM 608615. Disease mechanism: loss of function.

Submissions (2):

Myriad Genetics, Inc.
Classification: Benign for Oligodontia-cancer predisposition syndrome. Last evaluated: 2024-07-11. Review status: criteria provided, single submitter. Criteria: Myriad Autosomal Dominant, Autosomal Recessive and X-Linked Classification Criteria (2023). Collection method: clinical testing. Allele origin: unknown.
Comment: This variant is considered benign. This variant is a silent/synonymous amino acid change and it is not expected to impact splicing.

Ambry Genetics
Classification: Likely benign for Hereditary cancer-predisposing syndrome. Last evaluated: 2021-02-18. Review status: criteria provided, single submitter. Criteria: Ambry Variant Classification Scheme 2023. Collection method: clinical testing. Allele origin: germline.

NM_004655.4(AXIN2):c.2472T>C (p.Asp824=)

Gene: AXIN2 (axin 2; minus strand). Cytogenetic location: 17q24.1.
Variant type: single nucleotide variant.
Coding change: c.2472T>C on transcript NM_004655.4 (MANE Select); coding-DNA position 2472, T replaced by C.
Protein change: p.Asp824=; no amino-acid change (aspartic acid 824 retained).
Molecular consequence: synonymous variant.
Genome position (GRCh38, 1-based): chr17:65,530,036, A>G on the plus strand (T>C on the coding strand, the complement: AXIN2 is on the minus strand). VCF-style: chr17-65530036-A-G. GRCh37 (hg19) VCF-style: chr17-63526154-A-G.
Other names: c.2277T>C, p.Asp759= (NM_001363813.1).
Identifiers: ClinVar variation 1791800 (VCV001791800.3), dbSNP rs767106022, ClinGen allele CA501475720.